The following is an entry in ClinVar:

NM_000199.5(SGSH):c.376G>C (p.Val126Leu)

Gene: SGSH (N-sulfoglucosamine sulfohydrolase; minus strand). Cytogenetic location: 17q25.3.
Variant type: single nucleotide variant.
Coding change: c.376G>C on transcript NM_000199.5 (MANE Select); coding-DNA position 376, G replaced by C.
Protein change: p.Val126Leu; replaces valine 126 with leucine.
Molecular consequence: missense variant. On other transcripts: non-coding transcript variant (1).
Genome position (GRCh38, 1-based): chr17:80,214,745, C>G on the plus strand (G>C on the coding strand, the complement: SGSH is on the minus strand). VCF-style: chr17-80214745-C-G. GRCh37 (hg19) VCF-style: chr17-78188544-C-G.
Other names: c.376G>C, p.Val126Leu (NM_001352921.3, NM_001352922.2); short protein forms V126L.
Identifiers: ClinVar variation 1423108 (VCV001423108.5), dbSNP rs775553760, ClinGen allele CA8818038.
Genomic context (GRCh38, chr17:80,214,745, plus strand): 5'-GGACGGAGCCATTCTCCTCCGTGTACGCAAAGTCAAACGGGTACACGGTCTCCGGCCCCA[C>G]GTGCTTCTTCCCGATGATGCCTGGGCGGGAAGAGAGGCCTGGCCAGAGTCCCTTCAGCCT-3'
Protein context (NP_000190.1, residues 116-136): VRTGIIGKKH[Val126Leu]GPETVYPFDF

ClinVar aggregate classification (germline): Uncertain significance (1 of 4 stars; one submission).

Conditions:
Mucopolysaccharidosis, MPS-III-A (MPS3A). Also called: HEPARAN SULFATE SULFATASE DEFICIENCY; SANFILIPPO SYNDROME A; SULFAMIDASE DEFICIENCY; MPS III A; MPS IIIA (Sanfilippo Syndrome Type A); Mucopolysaccharidosis type IIIA (Sanfilippo A). Identifiers: Orphanet 581, Orphanet 79269, MedGen C0086647, MONDO:0009655, OMIM 252900.

gnomAD v4.1: 26 of 1,612,412 alleles (0.0016%); highest among the groups gnomAD compares: Non-Finnish European, 0.0021%; no homozygotes.

Submission:

Labcorp Genetics (formerly Invitae), Labcorp
Classification: Uncertain significance for Mucopolysaccharidosis, MPS-III-A. Last evaluated: 2021-08-14. Review status: criteria provided, single submitter. Criteria: Invitae Variant Classification Sherloc (09022015). Collection method: clinical testing. Allele origin: germline.
Comment: This sequence change replaces valine with leucine at codon 126 of the SGSH protein (p.Val126Leu). The valine residue is moderately conserved and there is a small physicochemical difference between valine and leucine. This variant is present in population databases (rs775553760, ExAC 0.006%). This variant has not been reported in the literature in individuals affected with SGSH-related conditions. Algorithms developed to predict the effect of missense changes on protein structure and function are either unavailable or do not agree on the potential impact of this missense change (SIFT: "Deleterious"; PolyPhen-2: "Possibly Damaging"; Align-GVGD: "Class C0"). In summary, the available evidence is currently insufficient to determine the role of this variant in disease. Therefore, it has been classified as a Variant of Uncertain Significance.